The following is an entry in ClinVar:

ClinVar aggregate classification (germline): Uncertain significance (1 of 4 stars; one submission).

Submission:

Labcorp Genetics (formerly Invitae), Labcorp
Classification: Uncertain significance. Last evaluated: 2025-05-06. Review status: criteria provided, single submitter. Criteria: Invitae Variant Classification Sherloc (09022015). Collection method: clinical testing. Allele origin: germline.
Comment: This sequence change replaces serine, which is neutral and polar, with phenylalanine, which is neutral and non-polar, at codon 2195 of the KMT2A protein (p.Ser2195Phe). This variant is not present in population databases (gnomAD no frequency). This variant has not been reported in the literature in individuals affected with KMT2A-related conditions. Invitae Evidence Modeling of protein sequence and biophysical properties (such as structural, functional, and spatial information, amino acid conservation, physicochemical variation, residue mobility, and thermodynamic stability) has been performed for this missense variant. However, the output from this modeling did not meet the statistical confidence thresholds required to predict the impact of this variant on KMT2A protein function. In summary, the available evidence is currently insufficient to determine the role of this variant in disease. Therefore, it has been classified as a Variant of Uncertain Significance.

NM_001197104.2(KMT2A):c.6584C>T (p.Ser2195Phe)

Gene: KMT2A (lysine methyltransferase 2A; plus strand). Cytogenetic location: 11q23.3.
Variant type: single nucleotide variant.
Coding change: c.6584C>T on transcript NM_001197104.2 (MANE Select); coding-DNA position 6584, C replaced by T.
Protein change: p.Ser2195Phe; replaces serine 2195 with phenylalanine.
Molecular consequence: missense variant.
Genome position (GRCh38, 1-based): chr11:118,502,476, C>T. VCF-style: chr11-118502476-C-T. GRCh37 (hg19) VCF-style: chr11-118373191-C-T.
Other names: c.6674C>T, p.Ser2225Phe (NM_001412597.1); c.6575C>T, p.Ser2192Phe (NM_005933.4); short protein forms S2192F, S2195F, S2225F.
Identifiers: ClinVar variation 4797788 (VCV004797788.1).
Genomic context (GRCh38, chr11:118,502,476, plus strand): 5'-CTCATGAAATAGTCACAGTAGGTGATCCTTTACTCTCCTCTGGACTTCGAAGCATTGGCT[C>T]CAGGCGTCACAGTACCTCTTCCTTATCACCCCAGCGGTCCAAACTCCGGATAATGTCTCC-3'
Protein context (NP_001184033.1, residues 2185-2205): LLSSGLRSIG[Ser2195Phe]RRHSTSSLSP